The following is an entry in ClinVar:

ClinVar aggregate classification (germline): Benign/Likely benign. Review status: criteria provided, multiple submitters, no conflicts (2 of 4 stars). 9 submissions from 9 submitters: Benign (5); Likely benign (3). 1 of the submissions does not count toward it. Last evaluated 2026-02-04.

Conditions:
LRP2-related disorder. Also called: LRP2-related condition.
Donnai-Barrow syndrome. Also called: DBS/FOAR SYNDROME; FACIOOCULOACOUSTICORENAL SYNDROME. Identifiers: Orphanet 2143, MedGen C1857277, MONDO:0009104, OMIM 222448.

Allele frequency attached by ClinVar (database versions not stated): gnomAD exomes 0.00110; ExAC 0.00143; gnomAD 0.00414 and 0.00441; TOPMed 0.00466; ESP Exome Variant Server 0.00515; 1000 Genomes Project 0.00599; 1000 Genomes Project 30x 0.00687.
gnomAD v4.1: 1,239 of 1,614,162 alleles (0.077%); highest among the groups gnomAD compares: African/African-American, 1.5%; 15 homozygotes.

Submissions (9):

Labcorp Genetics (formerly Invitae), Labcorp
Classification: Benign. Last evaluated: 2026-02-04. Review status: criteria provided, single submitter. Criteria: Invitae Variant Classification Sherloc (09022015). Collection method: clinical testing. Allele origin: germline.

CeGaT Center for Human Genetics Tuebingen
Classification: Benign. Last evaluated: 2026-02-01. Review status: criteria provided, single submitter. Criteria: CeGaT Center For Human Genetics Tuebingen Variant Classification Criteria Version 2. Collection method: clinical testing. Allele origin: germline. Affected: yes. Observed: 1 variant allele.
Comment: LRP2: BP4, BP7, BS1, BS2

Mayo Clinic Laboratories, Mayo Clinic
Classification: Likely benign. Last evaluated: 2025-02-19. Review status: criteria provided, single submitter. Criteria: ACMG Guidelines, 2015. Collection method: clinical testing. Allele origin: germline. Observed: 1 variant allele.
Comment: BS1, BP4, BP7

Blueprint Genetics
Classification: Likely benign. Last evaluated: 2024-07-08. Review status: criteria provided, single submitter. Criteria: ACMG Guidelines, 2015. Collection method: clinical testing. Allele origin: germline.

Fulgent Genetics
Classification: Likely benign for Donnai-Barrow syndrome. Last evaluated: 2021-07-26. Review status: criteria provided, single submitter. Criteria: ACMG Guidelines, 2015. Collection method: clinical testing. Allele origin: unknown.

Genome-Nilou Lab
Classification: Benign for Donnai-Barrow syndrome. Last evaluated: 2021-07-15. Review status: criteria provided, single submitter. Criteria: ACMG Guidelines, 2015. Collection method: clinical testing. Allele origin: germline. Affected: no.

Illumina Laboratory Services, Illumina
Classification: Benign for Donnai-Barrow syndrome. Last evaluated: 2017-04-27. Review status: criteria provided, single submitter. Criteria: ICSL Variant Classification Criteria 13 December 2019. Collection method: clinical testing. Allele origin: germline.
Comment: This variant was observed as part of a predisposition screen in an ostensibly healthy population. A literature search was performed for the gene, cDNA change, and amino acid change (where applicable). No publications were found based on this search. Allele frequency data from public databases was too high to be consistent with this variant causing disease. Therefore, this variant is classified as benign.

Breakthrough Genomics
Classification: Benign. Review status: criteria provided, single submitter. Criteria: ACMG Guidelines, 2015. Collection method: not provided. Allele origin: germline. Inheritance: Autosomal recessive inheritance. Affected: yes.

PreventionGenetics, part of Exact Sciences
Classification: Benign for LRP2-related condition. Last evaluated: 2019-06-03. Review status: no assertion criteria provided. Collection method: clinical testing. Allele origin: germline. Not counted in ClinVar's aggregate classification.
Comment: This variant is classified as benign based on ACMG/AMP sequence variant interpretation guidelines (Richards et al. 2015 PMID: 25741868, with internal and published modifications).

NM_004525.3(LRP2):c.7917A>C (p.Gly2639=)

Gene: LRP2 (LDL receptor related protein 2; minus strand). Cytogenetic location: 2q31.1.
Variant type: single nucleotide variant.
Coding change: c.7917A>C on transcript NM_004525.3 (MANE Select); coding-DNA position 7917, A replaced by C.
Protein change: p.Gly2639=; no amino-acid change (glycine 2639 retained).
Molecular consequence: synonymous variant.
Genome position (GRCh38, 1-based): chr2:169,204,070, T>G on the plus strand (A>C on the coding strand, the complement: LRP2 is on the minus strand). VCF-style: chr2-169204070-T-G. GRCh37 (hg19) VCF-style: chr2-170060580-T-G.
Other names: p.Gly2639=.
Identifiers: ClinVar variation 714129 (VCV000714129.26), dbSNP rs144126440, ClinGen allele CA1953982.